The following is an entry in ClinVar:

ClinVar aggregate classification (germline): Uncertain significance. Review status: criteria provided, multiple submitters, no conflicts (2 of 4 stars). 2 submissions from 2 submitters: Uncertain significance (2). Last evaluated 2026-03-25.

Conditions:
Inborn genetic diseases. Identifiers: MedGen C0950123, MeSH D030342.

Allele frequency attached by ClinVar (database versions not stated): gnomAD exomes 0.00001; gnomAD 0.00008; ExAC 0.00002.
gnomAD v4.1: 17 of 867,009 alleles (0.002%); highest among the groups gnomAD compares: African/African-American, 0.023%; no homozygotes.

Submissions (2):

GeneDx
Classification: Uncertain significance. Last evaluated: 2026-03-25. Review status: criteria provided, single submitter. Criteria: GeneDx Variant Classification Process June 2021. Collection method: clinical testing. Allele origin: germline.
Comment: In silico analysis supports that this missense variant has a deleterious effect on protein structure/function; Has not been previously published as pathogenic or benign to our knowledge

Ambry Genetics
Classification: Uncertain significance for Inborn genetic diseases. Last evaluated: 2025-02-08. Review status: criteria provided, single submitter. Criteria: Ambry Variant Classification Scheme 2023. Collection method: clinical testing. Allele origin: germline.

NM_001039591.3(USP9X):c.4259C>T (p.Thr1420Met)

Gene: USP9X (ubiquitin specific peptidase 9 X-linked; plus strand). Cytogenetic location: Xp11.4.
Variant type: single nucleotide variant.
Coding change: c.4259C>T on transcript NM_001039591.3 (MANE Select); coding-DNA position 4259, C replaced by T.
Protein change: p.Thr1420Met; replaces threonine 1420 with methionine.
Molecular consequence: missense variant.
Genome position (GRCh38, 1-based): chrX:41,197,389, C>T. VCF-style: chrX-41197389-C-T. GRCh37 (hg19) VCF-style: chrX-41056642-C-T.
Other names: c.4259C>T, p.Thr1420Met (NM_001039590.3); c.4274C>T, p.Thr1425Met (NM_001410748.1, NM_001410749.1); short protein forms T1420M, T1425M.
Identifiers: ClinVar variation 2576798 (VCV002576798.3), dbSNP rs746689022, ClinGen allele CA10388855.